The following is an entry in ClinVar:

NM_001753.5(CAV1):c.180C>A (p.Asn60Lys)

Genes: CAV1 (caveolin 1; plus strand), LOC129999169 (ATAC-STARR-seq lymphoblastoid silent region 18558; plus strand). Cytogenetic location: 7q31.2.
Variant type: single nucleotide variant.
Coding change: c.180C>A on transcript NM_001753.5 (MANE Select); coding-DNA position 180, C replaced by A.
Protein change: p.Asn60Lys; replaces asparagine 60 with lysine.
Molecular consequence: missense variant.
Genome position (GRCh38, 1-based): chr7:116,526,674, C>A. VCF-style: chr7-116526674-C-A. GRCh37 (hg19) VCF-style: chr7-116166728-C-A.
Other names: c.87C>A, p.Asn29Lys (NM_001172895.1, NM_001172896.2, NM_001172897.2); short protein forms N60K, N29K.
Identifiers: ClinVar variation 3827731 (VCV003827731.1).

ClinVar aggregate classification (germline): Uncertain significance (1 of 4 stars; one submission).

Conditions:
Inborn genetic diseases. Identifiers: MedGen C0950123, MeSH D030342.

Submission:

Ambry Genetics
Classification: Uncertain significance for Inborn genetic diseases. Last evaluated: 2025-01-13. Review status: criteria provided, single submitter. Criteria: Ambry Variant Classification Scheme 2023. Collection method: clinical testing. Allele origin: germline.
Comment: The p.N60K variant (also known as c.180C>A), located in coding exon 2 of the CAV1 gene, results from a C to A substitution at nucleotide position 180. The asparagine at codon 60 is replaced by lysine, an amino acid with similar properties. This amino acid position is conserved. In addition, the in silico prediction for this alteration is inconclusive. Based on the available evidence, the clinical significance of this variant remains unclear.